The following is an entry in ClinVar:

ClinVar aggregate classification (germline): Uncertain significance (1 of 4 stars; one submission).

Submission:

GeneDx
Classification: Uncertain significance. Last evaluated: 2025-01-12. Review status: criteria provided, single submitter. Criteria: GeneDx Variant Classification Process June 2021. Collection method: clinical testing. Allele origin: germline. Affected: yes.
Comment: Not observed at significant frequency in large population cohorts (gnomAD); Frameshift variant predicted to result in abnormal protein length as the last 162 amino acids are replaced with 11 different amino acids; Has not been previously published as pathogenic or benign to our knowledge

NM_181303.2(NLGN3):c.2058_2071del (p.Trp687fs)

Gene: NLGN3 (neuroligin 3; plus strand). Cytogenetic location: Xq13.1.
Variant type: Deletion.
Coding change: c.2058_2071del on transcript NM_181303.2 (MANE Select); coding-DNA positions 2058 to 2071, 14 bases deleted (CTGGAACGGGGACC).
Protein change: p.Trp687fs; shifts the reading frame from tryptophan 687.
Molecular consequence: frameshift variant.
Genome position (GRCh38, 1-based): chrX:71,169,608-71,169,621, CTGGAACGGGGACC deleted; deleting any 14 consecutive bases within chrX:71,169,607-71,169,621 gives the same sequence; the c. name uses the placement nearest the transcript's 3' end. VCF-style (leftmost placement, unchanged base first): chrX-71169606-TCCTGGAACGGGGAC-T. GRCh37 (hg19) VCF-style: chrX-70389456-TCCTGGAACGGGGAC-T.
Other names: c.1938_1951del, p.Trp647fs (NM_001166660.2); c.1647_1660del, p.Trp550fs (NM_001321276.2); c.1998_2011del, p.Trp667fs (NM_018977.4); short protein forms W550fs, W647fs, W667fs, W687fs.
Identifiers: ClinVar variation 4057154 (VCV004057154.1).